The following is an entry in ClinVar:

NM_212482.4(FN1):c.7251G>A (p.Arg2417=)

Genes: ATIC (5-aminoimidazole-4-carboxamide ribonucleotide formyltransferase/IMP cyclohydrolase; plus strand), FN1 (fibronectin 1; minus strand). Cytogenetic location: 2q35.
Variant type: single nucleotide variant.
Coding change: c.7251G>A on transcript NM_212482.4 (MANE Select); coding-DNA position 7251, G replaced by A.
Protein change: p.Arg2417=; no amino-acid change (arginine 2417 retained).
Molecular consequence: synonymous variant.
Genome position (GRCh38, 1-based): chr2:215,364,879, C>T on the plus strand (G>A on the coding strand, the complement: FN1 is on the minus strand). VCF-style: chr2-215364879-C-T. GRCh37 (hg19) VCF-style: chr2-216229602-C-T.
Other names: c.7158G>A, p.Arg2386= (NM_001306129.2); c.6621G>A, p.Arg2207= (NM_001306130.2); c.6615G>A, p.Arg2205= (NM_001306131.2); c.6540G>A, p.Arg2180= (NM_001306132.2); c.6981G>A, p.Arg2327= (NM_001365517.2); c.6978G>A, p.Arg2326= (NM_001365518.2); c.6906G>A, p.Arg2302= (NM_001365519.2); c.6903G>A, p.Arg2301= (NM_001365520.2); and 8 more.
Identifiers: ClinVar variation 2176984 (VCV002176984.4), dbSNP rs149027846, ClinGen allele CA2093615.

ClinVar aggregate classification (germline): Uncertain significance (1 of 4 stars; one submission).

Allele frequency attached by ClinVar (database versions not stated): gnomAD exomes 0.00001; TOPMed 0.00003; ExAC 0.00004; gnomAD 0.00007; ESP Exome Variant Server 0.00008.
gnomAD v4.1: 19 of 1,551,680 alleles (0.0012%); highest among the groups gnomAD compares: African/African-American, 0.02%; no homozygotes.

Submission:

Labcorp Genetics (formerly Invitae), Labcorp
Classification: Uncertain significance. Last evaluated: 2025-10-13. Review status: criteria provided, single submitter. Criteria: Invitae Variant Classification Sherloc (09022015). Collection method: clinical testing. Allele origin: germline.
Comment: This sequence change affects codon 2417 of the FN1 mRNA. It is a 'silent' change, meaning that it does not change the encoded amino acid sequence of the FN1 protein. This variant also falls at the last nucleotide of exon 44, which is part of the consensus splice site for this exon. This variant is present in population databases (rs149027846, gnomAD 0.02%). This variant has not been reported in the literature in individuals affected with FN1-related conditions. ClinVar contains an entry for this variant (Variation ID: 2176984). Variants that disrupt the consensus splice site are a relatively common cause of aberrant splicing (PMID: 17576681, 9536098). Algorithms developed to predict the effect of sequence changes on RNA splicing suggest that this variant may disrupt the consensus splice site. In summary, the available evidence is currently insufficient to determine the role of this variant in disease. Therefore, it has been classified as a Variant of Uncertain Significance.

Literature cited by the submitters: PubMed 17576681; PubMed 9536098.